The following is an entry in ClinVar:

ClinVar aggregate classification (germline): Conflicting classifications of pathogenicity. Review status: criteria provided, conflicting classifications (1 of 4 stars). 3 submissions from 3 submitters: Uncertain significance (2); Likely benign (1). Last evaluated 2023-06-22.

Conditions:
Inborn genetic diseases. Identifiers: MedGen C0950123, MeSH D030342.
Lazy leukocyte syndrome. Identifiers: Orphanet 652522, MedGen C0272174, MONDO:0007883, OMIM 150550.

Allele frequency attached by ClinVar (database versions not stated): ExAC 0.00001; TOPMed 0.00001; gnomAD 0.00003; 1000 Genomes Project 30x 0.00016; 1000 Genomes Project 0.00020.
gnomAD v4.1: 15 of 1,613,900 alleles (0.00093%); highest among the groups gnomAD compares: South Asian, 0.0088%; no homozygotes.

Submissions (3):

Neuberg Centre For Genomic Medicine, NCGM
Classification: Uncertain significance for Lazy leukocyte syndrome. Last evaluated: 2023-06-22. Review status: criteria provided, single submitter. Criteria: ACMG Guidelines, 2015. Collection method: clinical testing. Allele origin: germline. Inheritance: Autosomal recessive inheritance. Affected: yes.
Comment: The observed missense variant c.1207G>A(p.Val403Ile) in WDR1 gene has not been reported previously as a pathogenic variant nor as a benign variant, to our knowledge. This variant is reported with 0.002% allele frequency in gnomAD Exomes. It has been submitted to ClinVar as Likely Benign/ Uncertain Significance. However, no details are available for independent assessment. The amino acid Val at position 403 is changed to a Ile changing protein sequence and it might alter its composition and physico-chemical properties. Multiple lines of computational evidence (Polyphen-Tolerated, SIFT-Benign and MutationTaster-polymorphism) predict no damaging effect on protein structure and function for this variant. The reference amino acid p.Val403Ile in WDR1 is predicted as conserved by GERP++ and PhyloP across 100 vertebrates. For these reasons, this variant has been classified as Uncertain Significance. In the absence of another reportable variant, the molecular diagnosis is not confirm

Ambry Genetics
Classification: Uncertain significance for Inborn genetic diseases. Last evaluated: 2023-05-23. Review status: criteria provided, single submitter. Criteria: Ambry Variant Classification Scheme 2023. Collection method: clinical testing. Allele origin: germline.

CeGaT Center for Human Genetics Tuebingen
Classification: Likely benign. Last evaluated: 2022-09-01. Review status: criteria provided, single submitter. Criteria: CeGaT Center For Human Genetics Tuebingen Variant Classification Criteria Version 2. Collection method: clinical testing. Allele origin: germline. Affected: yes. Observed: 1 variant allele.
Comment: WDR1: BP4

NM_017491.5(WDR1):c.1207G>A (p.Val403Ile)

Gene: WDR1 (WD repeat domain 1; minus strand). Cytogenetic location: 4p16.1.
Variant type: single nucleotide variant.
Coding change: c.1207G>A on transcript NM_017491.5 (MANE Select); coding-DNA position 1207, G replaced by A.
Protein change: p.Val403Ile; replaces valine 403 with isoleucine.
Molecular consequence: missense variant.
Genome position (GRCh38, 1-based): chr4:10,081,434, C>T on the plus strand (G>A on the coding strand, the complement: WDR1 is on the minus strand). VCF-style: chr4-10081434-C-T. GRCh37 (hg19) VCF-style: chr4-10083058-C-T.
Other names: c.1207G>A (NM_017491.3); c.787G>A, p.Val263Ile (NM_005112.5); short protein forms V263I, V403I.
Identifiers: ClinVar variation 1711586 (VCV001711586.33), dbSNP rs539736116, ClinGen allele CA2857681.